The following is an entry in ClinVar:

NM_000222.3(KIT):c.1373A>T (p.Asp458Val)

Gene: KIT (KIT proto-oncogene, receptor tyrosine kinase; plus strand). Cytogenetic location: 4q12.
Variant type: single nucleotide variant.
Coding change: c.1373A>T on transcript NM_000222.3 (MANE Select); coding-DNA position 1373, A replaced by T.
Protein change: p.Asp458Val; replaces aspartic acid 458 with valine.
Molecular consequence: missense variant.
Genome position (GRCh38, 1-based): chr4:54,725,883, A>T. VCF-style: chr4-54725883-A-T. GRCh37 (hg19) VCF-style: chr4-55592049-A-T.
Other names: c.1373A>T, p.Asp458Val (NM_001093772.2, NM_001385285.1, NM_001385286.1); c.1376A>T, p.Asp459Val (NM_001385284.1, NM_001385288.1, NM_001385290.1 and 1 more transcripts); short protein forms D458V, D459V.
Identifiers: ClinVar variation 528614 (VCV000528614.13), dbSNP rs1553891403, ClinGen allele CA356906260.

ClinVar aggregate classification (germline): Uncertain significance. Review status: criteria provided, multiple submitters, no conflicts (2 of 4 stars). 3 submissions from 3 submitters: Uncertain significance (3). Last evaluated 2024-12-12.

Conditions:
Hereditary cancer-predisposing syndrome. Also called: Tumor predisposition; Hereditary neoplastic syndrome; Hereditary Cancer Syndrome; Neoplastic Syndromes, Hereditary. Identifiers: Orphanet 140162, MedGen C0027672, MeSH D009386, MONDO:0015356.
Gastrointestinal stromal tumor. Also called: Gastrointestinal stroma tumor; Gastrointestinal stromal tumor, somatic. Identifiers: Orphanet 44890, MedGen C0238198, MeSH D046152, MONDO:0011719, OMIM 606764, HP:0100723.

Allele frequency attached by ClinVar (database versions not stated): gnomAD exomes below 0.00001.
gnomAD v4.1: 1 of 1,614,036 alleles (0.000062%); highest among the groups gnomAD compares: Non-Finnish European, 0.000085%; no homozygotes.

Submissions (3):

Labcorp Genetics (formerly Invitae), Labcorp
Classification: Uncertain significance for Gastrointestinal stromal tumor. Last evaluated: 2024-12-12. Review status: criteria provided, single submitter. Criteria: Invitae Variant Classification Sherloc (09022015). Collection method: clinical testing. Allele origin: germline.
Comment: This sequence change replaces aspartic acid, which is acidic and polar, with valine, which is neutral and non-polar, at codon 458 of the KIT protein (p.Asp458Val). This variant is not present in population databases (gnomAD no frequency). This variant has not been reported in the literature in individuals affected with KIT-related conditions. ClinVar contains an entry for this variant (Variation ID: 528614). An algorithm developed to predict the effect of missense changes on protein structure and function (PolyPhen-2) suggests that this variant¬†is likely to be tolerated. In summary, the available evidence is currently insufficient to determine the role of this variant in disease. Therefore, it has been classified as a Variant of Uncertain Significance.

Ambry Genetics
Classification: Uncertain significance for Hereditary cancer-predisposing syndrome. Last evaluated: 2024-11-15. Review status: criteria provided, single submitter. Criteria: Ambry Variant Classification Scheme 2023. Collection method: clinical testing. Allele origin: germline.
Comment: The p.D458V variant (also known as c.1373A>T), located in coding exon 9 of the KIT gene, results from an A to T substitution at nucleotide position 1373. The aspartic acid at codon 458 is replaced by valine, an amino acid with highly dissimilar properties. This amino acid position is conserved. In addition, the in silico prediction for this alteration is inconclusive. Since supporting evidence is limited at this time, the clinical significance of this alteration remains unclear.

Baylor Genetics
Classification: Uncertain significance for Gastrointestinal stromal tumor. Last evaluated: 2023-11-25. Review status: criteria provided, single submitter. Criteria: ACMG Guidelines, 2015. Collection method: clinical testing. Allele origin: unknown.